The following is an entry in ClinVar:

NM_000051.4(ATM):c.201T>C (p.Tyr67=)

Gene: ATM (ATM serine/threonine kinase; plus strand). Cytogenetic location: 11q22.3.
Variant type: single nucleotide variant.
Coding change: c.201T>C on transcript NM_000051.4 (MANE Select); coding-DNA position 201, T replaced by C.
Protein change: p.Tyr67=; no amino-acid change (tyrosine 67 retained).
Molecular consequence: synonymous variant.
Genome position (GRCh38, 1-based): chr11:108,229,193, T>C. VCF-style: chr11-108229193-T-C. GRCh37 (hg19) VCF-style: chr11-108099920-T-C.
Other names: c.201T>C, p.Tyr67= (NM_001351834.2, NM_001351835.2, NM_001351836.2).
Identifiers: ClinVar variation 482597 (VCV000482597.18), dbSNP rs1555055083, ClinGen allele CA476668215.

ClinVar aggregate classification (germline): Benign/Likely benign. Review status: criteria provided, multiple submitters, no conflicts (2 of 4 stars). 6 submissions from 6 submitters: Benign (1); Likely benign (5). Last evaluated 2024-04-18.

Conditions:
Hereditary cancer-predisposing syndrome. Also called: Hereditary neoplastic syndrome; Neoplastic Syndromes, Hereditary; Tumor predisposition; Hereditary Cancer Syndrome. Identifiers: Orphanet 140162, MedGen C0027672, MeSH D009386, MONDO:0015356.
Familial cancer of breast. Also called: BREAST CANCER, FAMILIAL; Hereditary breast cancer; hereditary breast carcinoma. Identifiers: Orphanet 227535, MedGen C0346153, MONDO:0016419, OMIM 114480. Disease mechanism: loss of function.
Ataxia-telangiectasia syndrome (AT). Also called: LOUIS-BAR SYNDROME; Cerebello-oculocutaneous telangiectasia; Immunodeficiency with ataxia telangiectasia; AT, COMPLEMENTATION GROUP C; Ataxia-telangiectasia, complementation group D; ATAXIA-TELANGIECTASIA, COMPLEMENTATION GROUP A. Identifiers: Orphanet 100, MedGen C0004135, MONDO:0008840, OMIM 208900.

Allele frequency attached by ClinVar (database versions not stated): gnomAD exomes below 0.00001.
gnomAD v4.1: 2 of 1,612,432 alleles (0.00012%); highest among the groups gnomAD compares: African/African-American, 0.0013%; no homozygotes.

Submissions (6):

Myriad Genetics, Inc.
Classification: Benign for Familial cancer of breast. Last evaluated: 2024-04-18. Review status: criteria provided, single submitter. Criteria: Myriad Autosomal Dominant, Autosomal Recessive and X-Linked Classification Criteria (2023). Collection method: clinical testing. Allele origin: unknown.
Comment: This variant is considered benign. This variant is a silent/synonymous amino acid change and it is not expected to impact splicing.

Labcorp Genetics (formerly Invitae), Labcorp
Classification: Likely benign for Ataxia-telangiectasia syndrome. Last evaluated: 2023-11-02. Review status: criteria provided, single submitter. Criteria: Invitae Variant Classification Sherloc (09022015). Collection method: clinical testing. Allele origin: germline.

Sema4
Classification: Likely benign for Hereditary cancer-predisposing syndrome. Last evaluated: 2020-10-26. Review status: criteria provided, single submitter. Criteria: Sema4 Curation Guidelines. Collection method: curation. Allele origin: germline.

Color Diagnostics, LLC DBA Color Health
Classification: Likely benign for Hereditary cancer-predisposing syndrome. Last evaluated: 2019-01-28. Review status: criteria provided, single submitter. Criteria: ACMG Guidelines, 2015. Collection method: clinical testing. Allele origin: germline.

GeneDx
Classification: Likely benign. Last evaluated: 2018-04-12. Review status: criteria provided, single submitter. Criteria: GeneDx Variant Classification (06012015). Collection method: clinical testing. Allele origin: germline. Affected: yes.
Comment: This variant is considered likely benign or benign based on one or more of the following criteria: it is a conservative change, it occurs at a poorly conserved position in the protein, it is predicted to be benign by multiple in silico algorithms, and/or has population frequency not consistent with disease.

Ambry Genetics
Classification: Likely benign for Hereditary cancer-predisposing syndrome. Last evaluated: 2016-05-06. Review status: criteria provided, single submitter. Criteria: Ambry Variant Classification Scheme 2023. Collection method: clinical testing. Allele origin: germline.